The following is an entry in ClinVar:

ClinVar aggregate classification (germline): Uncertain significance (1 of 4 stars; one submission).

Allele frequency attached by ClinVar (database versions not stated): gnomAD exomes below 0.00001.
gnomAD v4.1: 7 of 1,614,122 alleles (0.00043%); highest among the groups gnomAD compares: South Asian, 0.0044%; no homozygotes.

Submission:

Labcorp Genetics (formerly Invitae), Labcorp
Classification: Uncertain significance. Last evaluated: 2023-11-03. Review status: criteria provided, single submitter. Criteria: Invitae Variant Classification Sherloc (09022015). Collection method: clinical testing. Allele origin: germline.
Comment: This sequence change replaces glycine, which is neutral and non-polar, with aspartic acid, which is acidic and polar, at codon 304 of the LEMD3 protein (p.Gly304Asp). This variant is present in population databases (no rsID available, gnomAD 0.003%). This variant has not been reported in the literature in individuals affected with LEMD3-related conditions. Advanced modeling of protein sequence and biophysical properties (such as structural, functional, and spatial information, amino acid conservation, physicochemical variation, residue mobility, and thermodynamic stability) performed at Invitae indicates that this missense variant is not expected to disrupt LEMD3 protein function with a negative predictive value of 80%. In summary, the available evidence is currently insufficient to determine the role of this variant in disease. Therefore, it has been classified as a Variant of Uncertain Significance.

NM_014319.5(LEMD3):c.911G>A (p.Gly304Asp)

Gene: LEMD3 (LEM domain containing 3; plus strand). Cytogenetic location: 12q14.3.
Variant type: single nucleotide variant.
Coding change: c.911G>A on transcript NM_014319.5 (MANE Select); coding-DNA position 911, G replaced by A.
Protein change: p.Gly304Asp; replaces glycine 304 with aspartic acid.
Molecular consequence: missense variant.
Genome position (GRCh38, 1-based): chr12:65,170,507, G>A. VCF-style: chr12-65170507-G-A. GRCh37 (hg19) VCF-style: chr12-65564287-G-A.
Other names: c.911G>A, p.Gly304Asp (NM_001167614.2); short protein forms G304D.
Identifiers: ClinVar variation 3022897 (VCV003022897.3), dbSNP rs1225524811, ClinGen allele CA385674401.